The following is an entry in ClinVar:

ClinVar aggregate classification (germline): Likely pathogenic (1 of 4 stars; one submission).

Conditions:
Neuronopathy, distal hereditary motor, type 7A. Also called: SPINAL MUSCULAR ATROPHY, DISTAL, WITH VOCAL CORD PARALYSIS; Neuronopathy, distal hereditary motor, type viia; HARPER-YOUNG MYOPATHY; HMN VIIA; NEURONOPATHY, DISTAL HEREDITARY MOTOR, HARDING TYPE VIIA; NEUROPATHY, DISTAL HEREDITARY MOTOR, HARDING TYPE VIIA. Identifiers: Orphanet 139589, MedGen C1834703, MONDO:0008024, OMIM 158580.
Congenital myasthenic syndrome 20. Also called: Myasthenic syndrome, congenital, 20, presynaptic. Identifiers: MedGen C4310694, MONDO:0014939, OMIM 617143.

Submission:

Labcorp Genetics (formerly Invitae), Labcorp
Classification: Likely pathogenic for Neuronopathy, distal hereditary motor, type 7A; Congenital myasthenic syndrome 20. Last evaluated: 2025-03-07. Review status: criteria provided, single submitter. Criteria: Invitae Variant Classification Sherloc (09022015). Collection method: clinical testing. Allele origin: germline.
Comment: This sequence change affects an acceptor splice site in intron 2 of the SLC5A7 gene. It is expected to disrupt RNA splicing. Variants that disrupt the donor or acceptor splice site typically lead to a loss of protein function (PMID: 16199547), and loss-of-function variants in SLC5A7 are known to be pathogenic (PMID: 15173594, 27569547, 39135055). This variant is not present in population databases (gnomAD no frequency). This variant has not been reported in the literature in individuals affected with SLC5A7-related conditions. ClinVar contains an entry for this variant (Variation ID: 1415144). Algorithms developed to predict the effect of sequence changes on RNA splicing suggest that this variant may disrupt the consensus splice site. In summary, the currently available evidence indicates that the variant is pathogenic, but additional data are needed to prove that conclusively. Therefore, this variant has been classified as Likely Pathogenic.

Literature cited by the submitters: PubMed 16199547; PubMed 15173594; PubMed 27569547; PubMed 39135055.

NM_021815.5(SLC5A7):c.179-2A>G

Gene: SLC5A7 (solute carrier family 5 member 7; plus strand). Cytogenetic location: 2q12.3.
Variant type: single nucleotide variant.
Coding change: c.179-2A>G on transcript NM_021815.5 (MANE Select); the canonical splice acceptor site of the intron before coding-DNA position 179, A replaced by G.
Molecular consequence: splice acceptor variant.
Genome position (GRCh38, 1-based): chr2:107,992,104, A>G. VCF-style: chr2-107992104-A-G. GRCh37 (hg19) VCF-style: chr2-108608560-A-G.
Other names: c.-526-2A>G (NM_001305007.3); c.179-2A>G (NM_001305005.3); c.-137-2A>G (NM_001305006.3).
Identifiers: ClinVar variation 1415144 (VCV001415144.6), dbSNP rs2104340311, ClinGen allele CA348020398.